The following is an entry in ClinVar:

ClinVar aggregate classification (germline): Benign (1 of 4 stars; one submission).

Allele frequency attached by ClinVar (database versions not stated): gnomAD 0.03753 and 0.03986; TOPMed 0.04507; 1000 Genomes Project 30x 0.05918; 1000 Genomes Project 0.05931.
gnomAD v4.1: 6,082 of 152,346 alleles (4%); highest among the groups gnomAD compares: Admixed American, 12%; 229 homozygotes.

Submission:

GeneDx
Classification: Benign. Last evaluated: 2018-06-16. Review status: criteria provided, single submitter. Criteria: GeneDx Variant Classification (06012015). Collection method: clinical testing. Allele origin: germline. Affected: yes.
Comment: This variant is considered likely benign or benign based on one or more of the following criteria: it is a conservative change, it occurs at a poorly conserved position in the protein, it is predicted to be benign by multiple in silico algorithms, and/or has population frequency not consistent with disease.

NM_007078.3(LDB3):c.321+248G>A

Gene: LDB3 (LIM domain binding 3; plus strand). Cytogenetic location: 10q23.2.
Variant type: single nucleotide variant.
Coding change: c.321+248G>A on transcript NM_007078.3 (MANE Select); 248 bases into the intron after coding-DNA position 321, G replaced by A.
Molecular consequence: intron variant.
Genome position (GRCh38, 1-based): chr10:86,680,405, G>A. VCF-style: chr10-86680405-G-A. GRCh37 (hg19) VCF-style: chr10-88440162-G-A.
Other names: c.321+248G>A (NM_001368064.1, NM_001368063.1, NM_001368068.1 and 8 more transcripts).
Identifiers: ClinVar variation 670456 (VCV000670456.1), dbSNP rs45617137, ClinGen allele CA13163695.